The following is an entry in ClinVar:

NM_000845.3(GRM8):c.62T>G (p.Phe21Cys)

Gene: GRM8 (glutamate metabotropic receptor 8; minus strand). Cytogenetic location: 7q31.33.
Variant type: single nucleotide variant.
Coding change: c.62T>G on transcript NM_000845.3 (MANE Select); coding-DNA position 62, T replaced by G.
Protein change: p.Phe21Cys; replaces phenylalanine 21 with cysteine.
Molecular consequence: missense variant. On other transcripts: non-coding transcript variant (2), intron variant (1).
Genome position (GRCh38, 1-based): chr7:127,243,143, A>C on the plus strand (T>G on the coding strand, the complement: GRM8 is on the minus strand). VCF-style: chr7-127243143-A-C. GRCh37 (hg19) VCF-style: chr7-126883197-A-C.
Other names: c.62T>G, p.Phe21Cys (NM_001127323.1, NM_001371083.1, NM_001371084.1 and 3 more transcripts); c.-106+9654T>G (NM_001371087.1); short protein forms F21C.
Identifiers: ClinVar variation 769731 (VCV000769731.7), dbSNP rs769202, ClinGen allele CA4466272.

ClinVar aggregate classification (germline): Benign. Review status: criteria provided, multiple submitters, no conflicts (2 of 4 stars). 3 submissions from 3 submitters: Benign (2). 1 of the submissions does not count toward it. Last evaluated 2019-12-31.

Conditions:
GRM8-related disorder. Also called: GRM8-related condition.

Allele frequency attached by ClinVar (database versions not stated): gnomAD exomes 0.00048 and 0.00224; 1000 Genomes Project 0.00120; gnomAD 0.00122 and 0.00126; 1000 Genomes Project 30x 0.00156; ExAC 0.00160; TOPMed 0.00178.
gnomAD v4.1: 879 of 1,613,888 alleles (0.054%); highest among the groups gnomAD compares: Admixed American, 1.4%; 9 homozygotes.

Submissions (3):

Labcorp Genetics (formerly Invitae), Labcorp
Classification: Benign. Last evaluated: 2019-12-31. Review status: criteria provided, single submitter. Criteria: Invitae Variant Classification Sherloc (09022015). Collection method: clinical testing. Allele origin: germline.

Breakthrough Genomics
Classification: Benign. Review status: criteria provided, single submitter. Criteria: ACMG Guidelines, 2015. Collection method: not provided. Allele origin: germline. Inheritance: Unknown mechanism. Affected: yes.

PreventionGenetics, part of Exact Sciences
Classification: Benign for GRM8-related condition. Last evaluated: 2020-06-15. Review status: no assertion criteria provided. Collection method: clinical testing. Allele origin: germline. Not counted in ClinVar's aggregate classification.
Comment: This variant is classified as benign based on ACMG/AMP sequence variant interpretation guidelines (Richards et al. 2015 PMID: 25741868, with internal and published modifications).